The following is an entry in ClinVar:

ClinVar aggregate classification (germline): Benign/Likely benign. Review status: criteria provided, multiple submitters, no conflicts (2 of 4 stars). 6 submissions from 6 submitters: Benign (3); Likely benign (3). Last evaluated 2026-01-26.

Conditions:
Autoinflammatory syndrome. Identifiers: Orphanet 93665, MedGen C3890737, MONDO:0019751.
Sterile multifocal osteomyelitis with periostitis and pustulosis. Also called: CHRONIC RECURRENT MULTIFOCAL OSTEOMYELITIS 2, WITH PERIOSTITIS AND PUSTULOSIS. Identifiers: Orphanet 210115, MedGen C2748507, MONDO:0013021, OMIM 612852.

Allele frequency attached by ClinVar (database versions not stated): gnomAD exomes 0.00112; ExAC 0.00134; gnomAD 0.00400 and 0.00435; 1000 Genomes Project 0.00479; TOPMed 0.00494; ESP Exome Variant Server 0.00515; 1000 Genomes Project 30x 0.00562.
gnomAD v4.1: 1,258 of 1,614,240 alleles (0.078%); highest among the groups gnomAD compares: African/African-American, 1.5%; 11 homozygotes.

Submissions (6):

Labcorp Genetics (formerly Invitae), Labcorp
Classification: Benign for Sterile multifocal osteomyelitis with periostitis and pustulosis. Last evaluated: 2026-01-26. Review status: criteria provided, single submitter. Criteria: Invitae Variant Classification Sherloc (09022015). Collection method: clinical testing. Allele origin: germline.

Blueprint Genetics
Classification: Likely benign. Last evaluated: 2024-11-25. Review status: criteria provided, single submitter. Criteria: ACMG Guidelines, 2015. Collection method: clinical testing. Allele origin: germline.

CeGaT Center for Human Genetics Tuebingen
Classification: Likely benign. Last evaluated: 2024-10-01. Review status: criteria provided, single submitter. Criteria: CeGaT Center For Human Genetics Tuebingen Variant Classification Criteria Version 2. Collection method: clinical testing. Allele origin: germline. Affected: yes. Observed: 1 variant allele.
Comment: IL1RN: BP4, BP7, BS1

Genome Diagnostics Laboratory, The Hospital for Sick Children
Classification: Likely benign for Autoinflammatory syndrome. Last evaluated: 2022-02-08. Review status: criteria provided, single submitter. Criteria: ACMG Guidelines, 2015. Collection method: clinical testing. Allele origin: germline. Affected: yes.

Illumina Laboratory Services, Illumina
Classification: Benign for Sterile multifocal osteomyelitis with periostitis and pustulosis. Last evaluated: 2017-04-27. Review status: criteria provided, single submitter. Criteria: ICSL Variant Classification Criteria 13 December 2019. Collection method: clinical testing. Allele origin: germline.
Comment: This variant was observed as part of a predisposition screen in an ostensibly healthy population. A literature search was performed for the gene, cDNA change, and amino acid change (where applicable). Publications were found based on this search. The evidence from the literature, in combination with allele frequency data from public databases where available, was sufficient to rule this variant out of causing disease. Therefore, this variant is classified as benign.

Breakthrough Genomics
Classification: Benign. Review status: criteria provided, single submitter. Criteria: ACMG Guidelines, 2015. Collection method: not provided. Allele origin: germline. Inheritance: Autosomal recessive inheritance. Affected: yes.

Literature cited by the submitters: PubMed 21279638 (cited by Illumina Laboratory Services, Illumina); PubMed 12837270 (cited by Illumina Laboratory Services, Illumina).

NM_173842.3(IL1RN):c.465C>T (p.Pro155=)

Gene: IL1RN (interleukin 1 receptor antagonist; plus strand). Cytogenetic location: 2q14.1.
Variant type: single nucleotide variant.
Coding change: c.465C>T on transcript NM_173842.3 (MANE Select); coding-DNA position 465, C replaced by T.
Protein change: p.Pro155=; no amino-acid change (proline 155 retained).
Molecular consequence: synonymous variant.
Genome position (GRCh38, 1-based): chr2:113,132,802, C>T. VCF-style: chr2-113132802-C-T. GRCh37 (hg19) VCF-style: chr2-113890379-C-T.
Other names: c.411C>T, p.Pro137= (NM_000577.5); c.363C>T, p.Pro121= (NM_001318914.2, NM_001379360.1, NM_173843.3); c.474C>T, p.Pro158= (NM_173841.3).
Identifiers: ClinVar variation 537716 (VCV000537716.33), dbSNP rs2232355, ClinGen allele CA1838907.